The following is an entry in ClinVar:

NM_002972.4(SBF1):c.3553C>T (p.Arg1185Cys)

Gene: SBF1 (SET binding factor 1; minus strand). Cytogenetic location: 22q13.33.
Variant type: single nucleotide variant.
Coding change: c.3553C>T on transcript NM_002972.4 (MANE Select); coding-DNA position 3553, C replaced by T.
Protein change: p.Arg1185Cys; replaces arginine 1185 with cysteine.
Molecular consequence: missense variant.
Genome position (GRCh38, 1-based): chr22:50,459,605, G>A on the plus strand (C>T on the coding strand, the complement: SBF1 is on the minus strand). VCF-style: chr22-50459605-G-A. GRCh37 (hg19) VCF-style: chr22-50898034-G-A.
Other names: c.3556C>T, p.Arg1186Cys (NM_001365819.1, NM_001410794.1); c.3553C>T, p.Arg1185Cys (NM_001410795.1, NM_197971.1); short protein forms R1186C, R1185C.
Identifiers: ClinVar variation 1935359 (VCV001935359.3), dbSNP rs962590087, ClinGen allele CA325531650.

ClinVar aggregate classification (germline): Uncertain significance (1 of 4 stars; one submission).

Allele frequency attached by ClinVar (database versions not stated): gnomAD 0.00001.
gnomAD v4.1: 27 of 1,609,780 alleles (0.0017%); highest among the groups gnomAD compares: Non-Finnish European, 0.0021%; no homozygotes.

Submission:

Labcorp Genetics (formerly Invitae), Labcorp
Classification: Uncertain significance. Last evaluated: 2022-05-27. Review status: criteria provided, single submitter. Criteria: Invitae Variant Classification Sherloc (09022015). Collection method: clinical testing. Allele origin: germline.
Comment: In summary, the available evidence is currently insufficient to determine the role of this variant in disease. Therefore, it has been classified as a Variant of Uncertain Significance. Algorithms developed to predict the effect of missense changes on protein structure and function are either unavailable or do not agree on the potential impact of this missense change (SIFT: "Deleterious"; PolyPhen-2: "Probably Damaging"; Align-GVGD: "Class C0"). This variant has not been reported in the literature in individuals affected with SBF1-related conditions. This variant is not present in population databases (gnomAD no frequency). This sequence change replaces arginine, which is basic and polar, with cysteine, which is neutral and slightly polar, at codon 1185 of the SBF1 protein (p.Arg1185Cys).